The following is an entry in ClinVar:

ClinVar aggregate classification (germline): Uncertain significance. Review status: criteria provided, multiple submitters, no conflicts (2 of 4 stars). 2 submissions from 2 submitters: Uncertain significance (2). Last evaluated 2024-01-23.

Conditions:
Inborn genetic diseases. Identifiers: MedGen C0950123, MeSH D030342.

Allele frequency attached by ClinVar (database versions not stated): gnomAD exomes below 0.00001; TOPMed 0.00002; ExAC 0.00001.

Submissions (2):

Ambry Genetics
Classification: Uncertain significance for Inborn genetic diseases. Last evaluated: 2024-01-23. Review status: criteria provided, single submitter. Criteria: Ambry Variant Classification Scheme 2023. Collection method: clinical testing. Allele origin: germline.

Labcorp Genetics (formerly Invitae), Labcorp
Classification: Uncertain significance. Last evaluated: 2022-06-27. Review status: criteria provided, single submitter. Criteria: Invitae Variant Classification Sherloc (09022015). Collection method: clinical testing. Allele origin: germline.
Comment: This variant has not been reported in the literature in individuals affected with UNC80-related conditions. This variant is present in population databases (rs781448010, gnomAD 0.003%). This sequence change replaces arginine, which is basic and polar, with tryptophan, which is neutral and slightly polar, at codon 253 of the UNC80 protein (p.Arg253Trp). Algorithms developed to predict the effect of missense changes on protein structure and function are either unavailable or do not agree on the potential impact of this missense change (SIFT: "Not Available"; PolyPhen-2: "Benign"; Align-GVGD: "Not Available"). In summary, the available evidence is currently insufficient to determine the role of this variant in disease. Therefore, it has been classified as a Variant of Uncertain Significance.

NM_001371986.1(UNC80):c.757C>T (p.Arg253Trp)

Gene: UNC80 (unc-80 homolog, NALCN channel complex subunit; plus strand). Cytogenetic location: 2q34.
Variant type: single nucleotide variant.
Coding change: c.757C>T on transcript NM_001371986.1 (MANE Select); coding-DNA position 757, C replaced by T.
Protein change: p.Arg253Trp; replaces arginine 253 with tryptophan.
Molecular consequence: missense variant.
Genome position (GRCh38, 1-based): chr2:209,789,564, C>T. VCF-style: chr2-209789564-C-T. GRCh37 (hg19) VCF-style: chr2-210654288-C-T.
Other names: c.757C>T, p.Arg253Trp (NM_032504.2, NM_182587.4); c.757C>T (NM_032504.1); short protein forms R253W.
Identifiers: ClinVar variation 1409068 (VCV001409068.5), dbSNP rs781448010, ClinGen allele CA2082838.